The following is an entry in ClinVar:

ClinVar aggregate classification (germline): Uncertain significance. Review status: criteria provided, multiple submitters, no conflicts (2 of 4 stars). 4 submissions from 4 submitters: Uncertain significance (3). 1 of the submissions does not count toward it. Last evaluated 2022-03-15.

Conditions:
Glycogen storage disease, type II (IOPD). Also called: Pompe Disease; POMPE DISEASE, INFANTILE-ONSET; GLYCOGEN STORAGE DISEASE II, INFANTILE-ONSET; ACID ALPHA-GLUCOSIDASE DEFICIENCY, INFANTILE-ONSET; GAA DEFICIENCY, INFANTILE-ONSET; ACID MALTASE DEFICIENCY, INFANTILE-ONSET. Identifiers: Orphanet 365, MedGen C0017921, MONDO:0009290, OMIM 232300.

Submissions (4):

Labcorp Genetics (formerly Invitae), Labcorp
Classification: Uncertain significance for Glycogen storage disease, type II. Last evaluated: 2022-03-15. Review status: criteria provided, single submitter. Criteria: Invitae Variant Classification Sherloc (09022015). Collection method: clinical testing. Allele origin: germline.
Comment: This sequence change replaces proline, which is neutral and non-polar, with serine, which is neutral and polar, at codon 425 of the GAA protein (p.Pro425Ser). The frequency data for this variant in the population databases is considered unreliable, as metrics indicate poor data quality at this position in the gnomAD database. This variant has not been reported in the literature in individuals affected with GAA-related conditions. ClinVar contains an entry for this variant (Variation ID: 499089). Advanced modeling of protein sequence and biophysical properties (such as structural, functional, and spatial information, amino acid conservation, physicochemical variation, residue mobility, and thermodynamic stability) performed at Invitae indicates that this missense variant is expected to disrupt GAA protein function. In summary, the available evidence is currently insufficient to determine the role of this variant in disease. Therefore, it has been classified as a Variant of Uncertain Significance.

Genome-Nilou Lab
Classification: Uncertain significance for Glycogen storage disease, type II. Last evaluated: 2021-09-05. Review status: criteria provided, single submitter. Criteria: ACMG Guidelines, 2015. Collection method: clinical testing. Allele origin: germline. Affected: no.

Eurofins Ntd Llc (ga)
Classification: Uncertain significance. Last evaluated: 2016-12-28. Review status: criteria provided, single submitter. Criteria: EGL Classification Definitions 2015. Collection method: clinical testing. Allele origin: germline. Observed: 1 variant allele, 1 heterozygote.

Natera, Inc.
Classification: Uncertain significance for Glycogen storage disease type II. Last evaluated: 2020-11-30. Review status: no assertion criteria provided. Collection method: clinical testing. Allele origin: germline. Not counted in ClinVar's aggregate classification.

NM_000152.5(GAA):c.1273C>T (p.Pro425Ser)

Gene: GAA (alpha glucosidase; plus strand). Cytogenetic location: 17q25.3.
Variant type: single nucleotide variant.
Coding change: c.1273C>T on transcript NM_000152.5 (MANE Select); coding-DNA position 1273, C replaced by T.
Protein change: p.Pro425Ser; replaces proline 425 with serine.
Molecular consequence: missense variant.
Genome position (GRCh38, 1-based): chr17:80,108,775, C>T. VCF-style: chr17-80108775-C-T. GRCh37 (hg19) VCF-style: chr17-78082574-C-T.
Other names: c.1273C>T, p.Pro425Ser (NM_001079803.3, NM_001079804.3); short protein forms P425S.
Identifiers: ClinVar variation 499089 (VCV000499089.16), dbSNP rs1283810246, ClinGen allele CA401365329.